The following is an entry in ClinVar:

NM_001356.5(DDX3X):c.585T>G (p.Ile195Met)

Gene: DDX3X (DEAD-box helicase 3 X-linked; plus strand). Cytogenetic location: Xp11.4.
Variant type: single nucleotide variant.
Coding change: c.585T>G on transcript NM_001356.5 (MANE Select); coding-DNA position 585, T replaced by G.
Protein change: p.Ile195Met; replaces isoleucine 195 with methionine.
Molecular consequence: missense variant. On other transcripts: non-coding transcript variant (1).
Genome position (GRCh38, 1-based): chrX:41,343,257, T>G. VCF-style: chrX-41343257-T-G. GRCh37 (hg19) VCF-style: chrX-41202510-T-G.
Other names: c.585T>G, p.Ile195Met (NM_001193416.3); c.537T>G, p.Ile179Met (NM_001193417.3); c.27T>G, p.Ile9Met (NM_001363819.1); short protein forms I195M, I179M, I9M.
Identifiers: ClinVar variation 2812647 (VCV002812647.3), dbSNP rs2519511157, ClinGen allele CA412767913.

ClinVar aggregate classification (germline): Uncertain significance (1 of 4 stars; one submission).

Submission:

Labcorp Genetics (formerly Invitae), Labcorp
Classification: Uncertain significance. Last evaluated: 2023-08-14. Review status: criteria provided, single submitter. Criteria: Invitae Variant Classification Sherloc (09022015). Collection method: clinical testing. Allele origin: germline.
Comment: In summary, the available evidence is currently insufficient to determine the role of this variant in disease. Therefore, it has been classified as a Variant of Uncertain Significance. Experimental studies and prediction algorithms are not available or were not evaluated, and the functional significance of this variant is currently unknown. This variant has not been reported in the literature in individuals affected with DDX3X-related conditions. This variant is not present in population databases (gnomAD no frequency). This sequence change replaces isoleucine, which is neutral and non-polar, with methionine, which is neutral and non-polar, at codon 195 of the DDX3X protein (p.Ile195Met).